The following is an entry in ClinVar:

ClinVar aggregate classification (germline): Benign. Review status: criteria provided, multiple submitters, no conflicts (2 of 4 stars). 12 submissions from 11 submitters: Benign (8). 4 of the submissions do not count toward it. Last evaluated 2026-02-04.

Conditions:
Zellweger spectrum disorders (ZS). Also called: Zellweger Spectrum Disorder; Zellweger Spectrum; Zellweger syndrome; Zellweger Spectrum Disorder (ZSD). Identifiers: Orphanet 912, MedGen C0043459, MONDO:0019609.
Peroxisome biogenesis disorder, complementation group 7 (CG7). Also called: Peroxisome biogenesis disorder, complementation group B. Identifiers: MedGen C1864399.
Peroxisome biogenesis disorder 6A (Zellweger). Also called: Peroxisome biogenesis disorder 6A. Identifiers: Orphanet 912, MedGen C3553947, MONDO:0013936, OMIM 614870.
Peroxisome biogenesis disorder 6B (PBD6B). Identifiers: Orphanet 44, MedGen C3553948, MONDO:0013937, OMIM 614871.

Allele frequency attached by ClinVar (database versions not stated): 1000 Genomes Project 0.01997; TOPMed 0.03739; gnomAD 0.05029 and 0.05120; ExAC 0.05326; gnomAD exomes 0.06132 and 0.05360; 1000 Genomes Project 30x 0.02046; ESP Exome Variant Server 0.04644.
gnomAD v4.1: 96,655 of 1,613,860 alleles (6%); highest among the groups gnomAD compares: Non-Finnish European, 6.5%; 3,773 homozygotes.

Submissions (25):

Labcorp Genetics (formerly Invitae), Labcorp
Classification: Benign for Peroxisome biogenesis disorder, complementation group 7. Last evaluated: 2026-02-04. Review status: criteria provided, single submitter. Criteria: Invitae Variant Classification Sherloc (09022015). Collection method: clinical testing. Allele origin: germline.

Mayo Clinic Laboratories, Mayo Clinic
Classification: Benign. Last evaluated: 2024-11-08. Review status: criteria provided, single submitter. Criteria: ACMG Guidelines, 2015. Collection method: clinical testing. Allele origin: germline. Observed: 151 variant alleles.

Genome-Nilou Lab
Classification: Benign for Peroxisome biogenesis disorder 6A (Zellweger). Last evaluated: 2021-07-08. Review status: criteria provided, single submitter. Criteria: ACMG Guidelines, 2015. Collection method: clinical testing. Allele origin: germline. Affected: no.

Genome-Nilou Lab
Classification: Benign for Peroxisome biogenesis disorder 6B. Last evaluated: 2021-07-08. Review status: criteria provided, single submitter. Criteria: ACMG Guidelines, 2015. Collection method: clinical testing. Allele origin: germline. Affected: no.

GeneDx
Classification: Benign. Last evaluated: 2019-01-20. Review status: criteria provided, single submitter. Criteria: GeneDx Variant Classification Process June 2021. Collection method: clinical testing. Allele origin: germline. Affected: yes.

Illumina Laboratory Services, Illumina
Classification: Benign for Peroxisome biogenesis disorder 6A (Zellweger). Last evaluated: 2018-01-12. Review status: criteria provided, single submitter. Criteria: ICSL Variant Classification Criteria 13 December 2019. Collection method: clinical testing. Allele origin: germline.
Comment: This variant was observed in the ICSL laboratory as part of a predisposition screen in an ostensibly healthy population. It had not been previously curated by ICSL or reported in the Human Gene Mutation Database (HGMD: prior to June 1st, 2018), and was therefore a candidate for classification through an automated scoring system. Utilizing variant allele frequency, disease prevalence and penetrance estimates, and inheritance mode, an automated score was calculated to assess if this variant is too frequent to cause the disease. Based on the score and internal cut-off values, a variant classified as benign is not then subjected to further curation. The score for this variant resulted in a classification of benign for this disease.

Breakthrough Genomics
Classification: Benign. Review status: criteria provided, single submitter. Criteria: ACMG Guidelines, 2015. Collection method: not provided. Allele origin: germline. Inheritance: Autosomal recessive inheritance. Affected: yes.

PreventionGenetics, part of Exact Sciences
Classification: Benign. Review status: criteria provided, single submitter. Criteria: ACMG Guidelines, 2015. Collection method: clinical testing. Allele origin: germline.

Natera, Inc.
Classification: Benign for Zellweger syndrome. Last evaluated: 2019-11-22. Review status: no assertion criteria provided. Collection method: clinical testing. Allele origin: germline. Not counted in ClinVar's aggregate classification.

Clinical Genetics DNA and cytogenetics Diagnostics Lab, Erasmus MC, Erasmus Medical Center
Classification: Benign. Review status: no assertion criteria provided. Collection method: clinical testing. Allele origin: germline. Affected: yes. Study: VKGL Data-share Consensus. Not counted in ClinVar's aggregate classification.

Diagnostic Laboratory, Department of Genetics, University Medical Center Groningen
Classification: Benign. Review status: no assertion criteria provided. Collection method: clinical testing. Allele origin: germline. Affected: yes. Study: VKGL Data-share Consensus. Not counted in ClinVar's aggregate classification.

Dr. Peter K. Rogan Lab, Western University
No classification provided (evidence only). Condition: Acute myeloid leukemia. Review status: no classification provided. Collection method: in vitro. Allele origin: not applicable. Functional consequence: retained intron. Not counted in ClinVar's aggregate classification.

Dr. Peter K. Rogan Lab, Western University
No classification provided (evidence only). Condition: Acute myeloid leukemia. Review status: no classification provided. Collection method: in vitro. Allele origin: not applicable. Functional consequence: retained intron. Not counted in ClinVar's aggregate classification.

Dr. Peter K. Rogan Lab, Western University
No classification provided (evidence only). Condition: Acute myeloid leukemia. Review status: no classification provided. Collection method: in vitro. Allele origin: not applicable. Functional consequence: retained intron. Not counted in ClinVar's aggregate classification.

Dr. Peter K. Rogan Lab, Western University
No classification provided (evidence only). Condition: Acute myeloid leukemia. Review status: no classification provided. Collection method: in vitro. Allele origin: not applicable. Functional consequence: retained intron. Not counted in ClinVar's aggregate classification.

Dr. Peter K. Rogan Lab, Western University
No classification provided (evidence only). Condition: Colorectal cancer. Review status: no classification provided. Collection method: in vitro. Allele origin: not applicable. Functional consequence: retained intron. Not counted in ClinVar's aggregate classification.

Dr. Peter K. Rogan Lab, Western University
No classification provided (evidence only). Condition: Colorectal cancer. Review status: no classification provided. Collection method: in vitro. Allele origin: not applicable. Functional consequence: retained intron. Not counted in ClinVar's aggregate classification.

Dr. Peter K. Rogan Lab, Western University
No classification provided (evidence only). Condition: Colorectal cancer. Review status: no classification provided. Collection method: in vitro. Allele origin: not applicable. Functional consequence: retained intron. Not counted in ClinVar's aggregate classification.

Dr. Peter K. Rogan Lab, Western University
No classification provided (evidence only). Condition: Uterine corpus endometrial carcinoma. Review status: no classification provided. Collection method: in vitro. Allele origin: not applicable. Functional consequence: retained intron. Not counted in ClinVar's aggregate classification.

Dr. Peter K. Rogan Lab, Western University
No classification provided (evidence only). Condition: Thymoma. Review status: no classification provided. Collection method: in vitro. Allele origin: not applicable. Functional consequence: retained intron. Not counted in ClinVar's aggregate classification.

Dr. Peter K. Rogan Lab, Western University
No classification provided (evidence only). Condition: Thymoma. Review status: no classification provided. Collection method: in vitro. Allele origin: not applicable. Functional consequence: retained intron. Not counted in ClinVar's aggregate classification.

Dr. Peter K. Rogan Lab, Western University
No classification provided (evidence only). Condition: Thymoma. Review status: no classification provided. Collection method: in vitro. Allele origin: not applicable. Functional consequence: retained intron. Not counted in ClinVar's aggregate classification.

Dr. Peter K. Rogan Lab, Western University
No classification provided (evidence only). Condition: Adrenocortical carcinoma, hereditary. Review status: no classification provided. Collection method: in vitro. Allele origin: not applicable. Functional consequence: retained intron. Not counted in ClinVar's aggregate classification.

Dr. Peter K. Rogan Lab, Western University
No classification provided (evidence only). Condition: Uterine carcinosarcoma. Review status: no classification provided. Collection method: in vitro. Allele origin: not applicable. Functional consequence: retained intron. Not counted in ClinVar's aggregate classification.

Genetic Services Laboratory, University of Chicago
Classification: Likely benign for AllHighlyPenetrant. Review status: no assertion criteria provided. Collection method: clinical testing. Allele origin: germline. Inheritance: Autosomal recessive inheritance. Not counted in ClinVar's aggregate classification.
Comment: Likely benign based on allele frequency in 1000 Genomes Project or ESP global frequency and its presence in a patient with a rare or unrelated disease phenotype. NOT Sanger confirmed.

NM_002617.4(PEX10):c.279C>T (p.Gly93=)

Gene: PEX10 (peroxisomal biogenesis factor 10; minus strand). Cytogenetic location: 1p36.32.
Variant type: single nucleotide variant.
Coding change: c.279C>T on transcript NM_002617.4 (MANE Select); coding-DNA position 279, C replaced by T.
Protein change: p.Gly93=; no amino-acid change (glycine 93 retained).
Molecular consequence: synonymous variant. On other transcripts: 5 prime UTR variant (2), non-coding transcript variant (1).
Genome position (GRCh38, 1-based): chr1:2,408,773, G>A on the plus strand (C>T on the coding strand, the complement: PEX10 is on the minus strand). VCF-style: chr1-2408773-G-A. GRCh37 (hg19) VCF-style: chr1-2340212-G-A.
Other names: p.Gly93=; c.279C>T, p.Gly93= (NM_001374425.1, NM_153818.2); c.-154C>T (NM_001374426.1, NM_001374427.1).
Identifiers: ClinVar variation 129883 (VCV000129883.29), dbSNP rs1143016, ClinGen allele CA154231.
Genomic context (GRCh38, chr1:2,408,773, plus strand): 5'-CAGGGGGAGCAGGGCCTTGTCCAGCAGGTAGGGCAGGACGGCATGCAGTGTCACCAGCAC[G>A]CCACGGCGCAGCGAGGAGGGCACATGTATCCGCGATGGGTCCACCTGGATGATGCTGACG-3'
Protein context (NP_002608.1, residues 83-103): RIHVPSSLRR[Gly93=]VLVTLHAVLP